The following is an entry in ClinVar:

NM_032801.5(JAM3):c.503G>A (p.Arg168Gln)

Gene: JAM3 (junctional adhesion molecule 3; plus strand). Cytogenetic location: 11q25.
Variant type: single nucleotide variant.
Coding change: c.503G>A on transcript NM_032801.5 (MANE Select); coding-DNA position 503, G replaced by A.
Protein change: p.Arg168Gln; replaces arginine 168 with glutamine.
Molecular consequence: missense variant.
Genome position (GRCh38, 1-based): chr11:134,144,885, G>A. VCF-style: chr11-134144885-G-A. GRCh37 (hg19) VCF-style: chr11-134014780-G-A.
Other names: c.350G>A, p.Arg117Gln (NM_001205329.2); c.503G>A (NM_032801.4); short protein forms R117Q, R168Q.
Identifiers: ClinVar variation 1520911 (VCV001520911.6), dbSNP rs78924573, ClinGen allele CA6370068.

ClinVar aggregate classification (germline): Uncertain significance. Review status: criteria provided, multiple submitters, no conflicts (2 of 4 stars). 2 submissions from 2 submitters: Uncertain significance (2). Last evaluated 2025-12-15.

Conditions:
Inborn genetic diseases. Identifiers: MedGen C0950123, MeSH D030342.

Allele frequency attached by ClinVar (database versions not stated): ESP Exome Variant Server 0.00008; gnomAD 0.00015; 1000 Genomes Project 30x 0.00016; 1000 Genomes Project 0.00020; TOPMed 0.00020; ExAC 0.00034; gnomAD exomes 0.00037.

Submissions (2):

Labcorp Genetics (formerly Invitae), Labcorp
Classification: Uncertain significance. Last evaluated: 2025-12-15. Review status: criteria provided, single submitter. Criteria: Invitae Variant Classification Sherloc (09022015). Collection method: clinical testing. Allele origin: germline.
Comment: This sequence change replaces arginine, which is basic and polar, with glutamine, which is neutral and polar, at codon 168 of the JAM3 protein (p.Arg168Gln). This variant is present in population databases (rs78924573, gnomAD 0.08%). This variant has not been reported in the literature in individuals affected with JAM3-related conditions. ClinVar contains an entry for this variant (Variation ID: 1520911). Invitae Evidence Modeling of protein sequence and biophysical properties (such as structural, functional, and spatial information, amino acid conservation, physicochemical variation, residue mobility, and thermodynamic stability) indicates that this missense variant is not expected to disrupt JAM3 protein function with a negative predictive value of 80%. In summary, the available evidence is currently insufficient to determine the role of this variant in disease. Therefore, it has been classified as a Variant of Uncertain Significance.

Ambry Genetics
Classification: Uncertain significance for Inborn genetic diseases. Last evaluated: 2023-02-06. Review status: criteria provided, single submitter. Criteria: Ambry Variant Classification Scheme 2023. Collection method: clinical testing. Allele origin: germline.